The following is an entry in ClinVar:

NM_015404.4(WHRN):c.1863_1865del (p.Phe621_Ser622delinsLeu)

Gene: WHRN (whirlin; minus strand). Cytogenetic location: 9q32.
Variant type: Deletion.
Coding change: c.1863_1865del on transcript NM_015404.4 (MANE Select); coding-DNA positions 1863 to 1865, 3 bases deleted (CTC; older notation c.1863_1865delCTC).
Protein change: p.Phe621_Ser622delinsLeu.
Molecular consequence: inframe indel.
Genome position (GRCh38, 1-based): chr9:114,406,726-114,406,728, GAG deleted on the plus strand (CTC on the coding strand, the reverse complement: WHRN is on the minus strand). VCF-style (leftmost placement, unchanged base first): chr9-114406725-CGAG-C. GRCh37 (hg19) VCF-style: chr9-117169005-CGAG-C.
Other names: c.1863_1865del (NM_015404.2); c.714_716del, p.Phe238_Ser239delinsLeu (NM_001083885.3); c.1863_1865del, p.Phe621_Ser622delinsLeu (NM_001173425.2); c.810_812del, p.Phe270_Ser271delinsLeu (NM_001346890.1).
Identifiers: ClinVar variation 1041631 (VCV001041631.7), dbSNP rs757702620, ClinGen allele CA5205796.
Genomic context (GRCh38, chr9:114,406,725, plus strand): 5'-TGCAGAGGAGGTCCCTGGGGTGGGTGCGGTGCCCGCTGGCGGGCTGCGGTTCTGTGGAGC[CGAG>C]AAGACAGTGCCCGAGCAGGAAGGCATGGAGGAAGGTGGCTGGAGGTCCTCTCTCCCCAGC-3'

ClinVar aggregate classification (germline): Uncertain significance. Review status: criteria provided, multiple submitters, no conflicts (2 of 4 stars). 2 submissions from 2 submitters: Uncertain significance (2). Last evaluated 2026-03-17.

Allele frequency attached by ClinVar (database versions not stated): gnomAD exomes 0.00001; ExAC 0.00002; gnomAD 0.00002 and 0.00003; TOPMed 0.00003.

Submissions (2):

GeneDx
Classification: Uncertain significance. Last evaluated: 2026-03-17. Review status: criteria provided, single submitter. Criteria: GeneDx Variant Classification Process June 2021. Collection method: clinical testing. Allele origin: germline.
Comment: Not observed at significant frequency in large population cohorts (gnomAD); In-frame deletion of 2 amino acid(s) and insertion of 1 different amino acid(s) in a non-repeat region; In silico analysis supports a deleterious effect on protein structure/function; Has not been previously published as pathogenic or benign to our knowledge

Labcorp Genetics (formerly Invitae), Labcorp
Classification: Uncertain significance. Last evaluated: 2022-09-01. Review status: criteria provided, single submitter. Criteria: Invitae Variant Classification Sherloc (09022015). Collection method: clinical testing. Allele origin: germline.
Comment: This variant, c.1863_1865del, is a complex sequence change that results in the deletion of 2 and insertion of 1 amino acid(s) in the WHRN protein (p.Phe621_Ser622delinsLeu). This variant is present in population databases (rs757702620, gnomAD 0.003%). This variant has not been reported in the literature in individuals affected with WHRN-related conditions. ClinVar contains an entry for this variant (Variation ID: 1041631). Experimental studies and prediction algorithms are not available or were not evaluated, and the functional significance of this variant is currently unknown. In summary, the available evidence is currently insufficient to determine the role of this variant in disease. Therefore, it has been classified as a Variant of Uncertain Significance.